The following is an entry in ClinVar:

ClinVar aggregate classification (germline): Uncertain significance (1 of 4 stars; one submission).

Conditions:
Lethal polymalformative syndrome, Boissel type. Also called: GROWTH RETARDATION, DEVELOPMENTAL DELAY, AND FACIAL DYSMORPHISM. Identifiers: Orphanet 210144, MedGen C2752001, MONDO:0013050, OMIM 612938.

gnomAD v4.1: 1 of 1,613,866 alleles (0.000062%); highest among the groups gnomAD compares: Non-Finnish European, 0.000085%; no homozygotes.

Submission:

Victorian Clinical Genetics Services, Murdoch Childrens Research Institute
Classification: Uncertain significance for Lethal polymalformative syndrome, Boissel type. Last evaluated: 2025-10-20. Review status: criteria provided, single submitter. Criteria: ACMG Guidelines, 2015. Collection method: clinical testing. Allele origin: germline. Affected: yes.
Comment: This variant is classified as VUS-3B. Evidence in support of pathogenic classification: Variant is present in gnomAD <0.01 for a recessive condition (v4: 1 heterozygote(s), 0 homozygote(s)). Evidence in support of benign classification: Missense variant predicted to be tolerated by in silico tool(s) or not conserved in placental mammals with a minor amino acid change. Additional information: Variant is predicted to result in a missense amino acid change from Glu to Gly; This variant is heterozygous; This gene is associated with autosomal recessive disease; Alternative amino acid change(s) at the same position are present in gnomAD (highest allele count: v4: 1 heterozygote(s), 0 homozygote(s)); This variant has no previous evidence of pathogenicity; No published evidence of segregation with disease has been identified for this variant; No published functional evidence has been identified for this variant; No comparable missense variants have previous evidence for pathogenicity; Variant is located in the annotated FTO catalytic domain (DECIPHER); Loss of function is a known mechanism of disease in this gene and is associated with growth retardation, developmental delay, facial dysmorphism (MIM#612938).

NM_001080432.3(FTO):c.764A>G (p.Glu255Gly)

Gene: FTO (FTO alpha-ketoglutarate dependent dioxygenase; plus strand). Cytogenetic location: 16q12.2.
Variant type: single nucleotide variant.
Coding change: c.764A>G on transcript NM_001080432.3 (MANE Select); coding-DNA position 764, A replaced by G.
Protein change: p.Glu255Gly; replaces glutamic acid 255 with glycine.
Molecular consequence: missense variant. On other transcripts: non-coding transcript variant (1), intron variant (2).
Genome position (GRCh38, 1-based): chr16:53,844,167, A>G. VCF-style: chr16-53844167-A-G. GRCh37 (hg19) VCF-style: chr16-53878079-A-G.
Other names: c.794A>G, p.Glu265Gly (NM_001363891.2, NM_001363898.2); c.764A>G, p.Glu255Gly (NM_001363894.2, NM_001363896.2, NM_001363900.2 and 5 more transcripts); c.686A>G, p.Glu229Gly (NM_001363897.2); c.251A>G, p.Glu84Gly (NM_001363905.2); c.781+17646A>G (NM_001363899.2); c.751+17676A>G (NM_001363901.2); short protein forms E229G, E255G, E265G, E84G.
Identifiers: ClinVar variation 4531613 (VCV004531613.1).
Genomic context (GRCh38, chr16:53,844,167, plus strand): 5'-GCTTAGATTAAACATTTCCTTTCTGATCATTTTCTTCTCTTTTGGCAGGCCCTGAAGAGG[A>G]AAGTGAGGATGACTCTCATCTCGAAGGCAGGGATCCTGATATTTGGCATGTTGGTTTTAA-3'
Protein context (NP_001073901.1, residues 245-265): YSYSCEGPEE[Glu255Gly]SEDDSHLEGR